The following is an entry in ClinVar:

ClinVar aggregate classification (germline): Uncertain significance. Review status: criteria provided, multiple submitters, no conflicts (2 of 4 stars). 3 submissions from 3 submitters: Uncertain significance (3). Last evaluated 2025-10-21.

Conditions:
Inborn genetic diseases. Identifiers: MedGen C0950123, MeSH D030342.
Autoimmune interstitial lung disease-arthritis syndrome. Also called: Autoinflammation and autoimmunity, systemic, with immune dysregulation. Identifiers: Orphanet 444092, MedGen C5975714, MONDO:0014629.

Allele frequency attached by ClinVar (database versions not stated): ExAC 0.00001; gnomAD 0.00001; gnomAD exomes 0.00001; TOPMed 0.00001.
gnomAD v4.1: 13 of 1,613,420 alleles (0.00081%); highest among the groups gnomAD compares: Non-Finnish European, 0.00093%; no homozygotes.

Submissions (3):

Ambry Genetics
Classification: Uncertain significance for Inborn genetic diseases. Last evaluated: 2025-10-21. Review status: criteria provided, single submitter. Criteria: Ambry Variant Classification Scheme 2023. Collection method: clinical testing. Allele origin: germline.

Laboratorio de Genetica e Diagnostico Molecular, Hospital Israelita Albert Einstein
Classification: Uncertain significance for Autoinflammation and autoimmunity with immune dysregulation 1. Last evaluated: 2023-10-27. Review status: criteria provided, single submitter. Criteria: ACMG Guidelines, 2015. Collection method: clinical testing. Allele origin: germline. Affected: yes.
Comment: ACMG classification criteria: PM2 moderate, PP2 supporting, BP4 supporting

Labcorp Genetics (formerly Invitae), Labcorp
Classification: Uncertain significance for Autoimmune interstitial lung disease-arthritis syndrome. Last evaluated: 2023-02-08. Review status: criteria provided, single submitter. Criteria: Invitae Variant Classification Sherloc (09022015). Collection method: clinical testing. Allele origin: germline.
Comment: This sequence change replaces aspartic acid, which is acidic and polar, with glycine, which is neutral and non-polar, at codon 805 of the COPA protein (p.Asp805Gly). In summary, the available evidence is currently insufficient to determine the role of this variant in disease. Therefore, it has been classified as a Variant of Uncertain Significance. Advanced modeling of protein sequence and biophysical properties (such as structural, functional, and spatial information, amino acid conservation, physicochemical variation, residue mobility, and thermodynamic stability) performed at Invitae indicates that this missense variant is not expected to disrupt COPA protein function. This variant has not been reported in the literature in individuals affected with COPA-related conditions. This variant is present in population databases (rs774696742, gnomAD 0.0009%).

NM_004371.4(COPA):c.2414A>G (p.Asp805Gly)

Gene: COPA (coat protein complex I subunit alpha; minus strand). Cytogenetic location: 1q23.2.
Variant type: single nucleotide variant.
Coding change: c.2414A>G on transcript NM_004371.4 (MANE Select); coding-DNA position 2414, A replaced by G.
Protein change: p.Asp805Gly; replaces aspartic acid 805 with glycine.
Molecular consequence: missense variant.
Genome position (GRCh38, 1-based): chr1:160,295,798, T>C on the plus strand (A>G on the coding strand, the complement: COPA is on the minus strand). VCF-style: chr1-160295798-T-C. GRCh37 (hg19) VCF-style: chr1-160265588-T-C.
Other names: c.2441A>G, p.Asp814Gly (NM_001098398.2); c.2441A>G (NM_001098398.1); short protein forms D805G, D814G.
Identifiers: ClinVar variation 1980887 (VCV001980887.6), dbSNP rs774696742, ClinGen allele CA1197893.